The following is an entry in ClinVar:

NM_014319.5(LEMD3):c.*902G>A

Gene: LEMD3 (LEM domain containing 3; plus strand). Cytogenetic location: 12q14.3.
Variant type: single nucleotide variant.
Coding change: c.*902G>A on transcript NM_014319.5 (MANE Select); 902 bases downstream of the stop codon, G replaced by A.
Molecular consequence: 3 prime UTR variant.
Genome position (GRCh38, 1-based): chr12:65,247,227, G>A. VCF-style: chr12-65247227-G-A. GRCh37 (hg19) VCF-style: chr12-65641007-G-A.
Other names: c.*902G>A (NM_001167614.2).
Identifiers: ClinVar variation 310252 (VCV000310252.6), dbSNP rs145080926, ClinGen allele CA10638405.

ClinVar aggregate classification (germline): Benign. Review status: criteria provided, multiple submitters, no conflicts (2 of 4 stars). 2 submissions from 2 submitters: Benign (2). Last evaluated 2018-01-13.

Conditions:
Dermatofibrosis lenticularis disseminata (BOS). Also called: DERMATOFIBROSIS LENTICULARIS DISSEMINATA WITH OSTEOPOIKILOSIS; DERMATOOSTEOPOIKILOSIS; OSTEOPATHIA CONDENSANS DISSEMINATA. Identifiers: Orphanet 1306, MedGen C0265514, MONDO:0008157, OMIM 166700.

Allele frequency attached by ClinVar (database versions not stated): gnomAD 0.01822 and 0.01949; TOPMed 0.01965; 1000 Genomes Project 0.02157; 1000 Genomes Project 30x 0.02264.

Submissions (2):

Illumina Laboratory Services, Illumina
Classification: Benign for Dermatofibrosis lenticularis disseminata. Last evaluated: 2018-01-13. Review status: criteria provided, single submitter. Criteria: ICSL Variant Classification Criteria 13 December 2019. Collection method: clinical testing. Allele origin: germline.
Comment: This variant was observed in the ICSL laboratory as part of a predisposition screen in an ostensibly healthy population. It had not been previously curated by ICSL or reported in the Human Gene Mutation Database (HGMD: prior to June 1st, 2018), and was therefore a candidate for classification through an automated scoring system. Utilizing variant allele frequency, disease prevalence and penetrance estimates, and inheritance mode, an automated score was calculated to assess if this variant is too frequent to cause the disease. Based on the score and internal cut-off values, a variant classified as benign is not then subjected to further curation. The score for this variant resulted in a classification of benign for this disease.

Breakthrough Genomics
Classification: Benign. Review status: criteria provided, single submitter. Criteria: ACMG Guidelines, 2015. Collection method: not provided. Allele origin: germline. Inheritance: Autosomal dominant inheritance. Affected: yes.